The following is an entry in ClinVar:

ClinVar aggregate classification (germline): Uncertain significance (1 of 4 stars; one submission).

Conditions:
Inborn genetic diseases. Identifiers: MedGen C0950123, MeSH D030342.

Submission:

Ambry Genetics
Classification: Uncertain significance for Inborn genetic diseases. Last evaluated: 2024-12-04. Review status: criteria provided, single submitter. Criteria: Ambry Variant Classification Scheme 2023. Collection method: clinical testing. Allele origin: germline.
Comment: The p.P104S variant (also known as c.310C>T), located in coding exon 2 of the HAX1 gene, results from a C to T substitution at nucleotide position 310. The proline at codon 104 is replaced by serine, an amino acid with similar properties. This amino acid position is conserved. In addition, this alteration is predicted to be tolerated by in silico analysis. Based on the available evidence, the clinical significance of this variant remains unclear.

NM_006118.4(HAX1):c.310C>T (p.Pro104Ser)

Gene: HAX1 (HCLS1 associated protein X-1; plus strand). Cytogenetic location: 1q21.3.
Variant type: single nucleotide variant.
Coding change: c.310C>T on transcript NM_006118.4 (MANE Select); coding-DNA position 310, C replaced by T.
Protein change: p.Pro104Ser; replaces proline 104 with serine.
Molecular consequence: missense variant.
Genome position (GRCh38, 1-based): chr1:154,273,592, C>T. VCF-style: chr1-154273592-C-T. GRCh37 (hg19) VCF-style: chr1-154246068-C-T.
Other names: c.166C>T, p.Pro56Ser (NM_001018837.2); short protein forms P104S, P56S.
Identifiers: ClinVar variation 3524097 (VCV003524097.1).